The following is an entry in ClinVar:

NM_144658.4(DOCK11):c.2741C>T (p.Ser914Leu)

Gene: DOCK11 (dedicator of cytokinesis 11; plus strand). Cytogenetic location: Xq24.
Variant type: single nucleotide variant.
Coding change: c.2741C>T on transcript NM_144658.4 (MANE Select); coding-DNA position 2741, C replaced by T.
Protein change: p.Ser914Leu; replaces serine 914 with leucine.
Molecular consequence: missense variant.
Genome position (GRCh38, 1-based): chrX:118,608,131, C>T. VCF-style: chrX-118608131-C-T. GRCh37 (hg19) VCF-style: chrX-117742094-C-T.
Other names: short protein forms S914L.
Identifiers: ClinVar variation 4989803 (VCV004989803.1).

ClinVar aggregate classification (germline): Likely benign (1 of 4 stars; one submission).

Conditions:
DOCK11-related disorder. Also called: DOCK11-related condition.

gnomAD v4.1: 43 of 1,202,284 alleles (0.0036%); highest among the groups gnomAD compares: Admixed American, 0.038%; no homozygotes.

Submission:

PreventionGenetics, part of Exact Sciences
Classification: Likely benign for DOCK11-related condition. Last evaluated: 2026-06-19. Review status: criteria provided, single submitter. Criteria: ACMG Guidelines, 2015. Collection method: clinical testing. Allele origin: germline.
Comment: This variant is classified as likely benign based on ACMG/AMP sequence variant interpretation guidelines (Richards et al. 2015 PMID: 25741868, with internal and published modifications).